The following is an entry in ClinVar:

ClinVar aggregate classification (germline): Uncertain significance (1 of 4 stars; one submission).

Conditions:
Lipoic acid synthetase deficiency. Also called: HYPERGLYCINEMIA, LACTIC ACIDOSIS, AND SEIZURES. Identifiers: Orphanet 401859, MedGen C3280887, MONDO:0013762, OMIM 614462.

Allele frequency attached by ClinVar (database versions not stated): gnomAD exomes below 0.00001.

Submission:

Labcorp Genetics (formerly Invitae), Labcorp
Classification: Uncertain significance for Lipoic acid synthetase deficiency. Last evaluated: 2022-06-09. Review status: criteria provided, single submitter. Criteria: Invitae Variant Classification Sherloc (09022015). Collection method: clinical testing. Allele origin: germline.
Comment: In summary, the available evidence is currently insufficient to determine the role of this variant in disease. Therefore, it has been classified as a Variant of Uncertain Significance. Algorithms developed to predict the effect of missense changes on protein structure and function (SIFT, PolyPhen-2, Align-GVGD) all suggest that this variant is likely to be tolerated. This variant has not been reported in the literature in individuals affected with LIAS-related conditions. This variant is not present in population databases (gnomAD no frequency). This sequence change replaces glutamic acid, which is acidic and polar, with lysine, which is basic and polar, at codon 202 of the LIAS protein (p.Glu202Lys).

NM_006859.4(LIAS):c.604G>A (p.Glu202Lys)

Gene: LIAS (lipoic acid synthetase; plus strand). Cytogenetic location: 4p14.
Variant type: single nucleotide variant.
Coding change: c.604G>A on transcript NM_006859.4 (MANE Select); coding-DNA position 604, G replaced by A.
Protein change: p.Glu202Lys; replaces glutamic acid 202 with lysine.
Molecular consequence: missense variant. On other transcripts: intron variant (1).
Genome position (GRCh38, 1-based): chr4:39,465,338, G>A. VCF-style: chr4-39465338-G-A. GRCh37 (hg19) VCF-style: chr4-39466958-G-A.
Other names: c.604G>A, p.Glu202Lys (NM_001278590.2, NM_194451.3); c.299+1733G>A (NM_001363700.2); short protein forms E202K.
Identifiers: ClinVar variation 2160602 (VCV002160602.4), dbSNP rs2475000569, ClinGen allele CA356664805.
Genomic context (GRCh38, chr4:39,465,338, plus strand): 5'-TTTCTAGATATGCCTGATGGGGGAGCTGAACACATTGCAAAGACCGTATCATATTTAAAG[G>A]AAAGGTACTTATTTTTGCATTTGTGTAATTTAAGGACCTTTTTGGACCCATATGAGTTAA-3'
Protein context (NP_006850.2, residues 192-212): HIAKTVSYLK[Glu202Lys]RNPKILVECL